The following is an entry in ClinVar:

NM_005562.3(LAMC2):c.*362T>C

Gene: LAMC2 (laminin subunit gamma 2; plus strand). Cytogenetic location: 1q25.3.
Variant type: single nucleotide variant.
Coding change: c.*362T>C on transcript NM_005562.3 (MANE Select); 362 bases downstream of the stop codon, T replaced by C.
Molecular consequence: 3 prime UTR variant.
Genome position (GRCh38, 1-based): chr1:183,243,762, T>C. VCF-style: chr1-183243762-T-C. GRCh37 (hg19) VCF-style: chr1-183212897-T-C.
Identifiers: ClinVar variation 294028 (VCV000294028.5), dbSNP rs6687880, ClinGen allele CA10608487.
Genomic context (GRCh38, chr1:183,243,762, plus strand): 5'-TAATAGTCGTAAGTGGAGTCCTGGAATTTGGACAAGTGCTGTTGGGATATAGTCAACTTA[T>C]TCTTTGAGTAATGTGACTAAAGGAAAAAACTTTGACTTTGCCCAGGCATGAAATTCTTCC-3'

ClinVar aggregate classification (germline): Benign (1 of 4 stars; one submission).

Conditions:
Junctional epidermolysis bullosa. Identifiers: Orphanet 305, MedGen C0079301, MONDO:0017612.

Allele frequency attached by ClinVar (database versions not stated): gnomAD 0.03325 and 0.03101; 1000 Genomes Project 0.03834; TOPMed 0.03617; 1000 Genomes Project 30x 0.03998.
gnomAD v4.1: 5,421 of 322,466 alleles (1.7%); highest among the groups gnomAD compares: African/African-American, 11%; 264 homozygotes.

Submission:

Illumina Laboratory Services, Illumina
Classification: Benign for Junctional epidermolysis bullosa. Last evaluated: 2018-01-13. Review status: criteria provided, single submitter. Criteria: ICSL Variant Classification Criteria 13 December 2019. Collection method: clinical testing. Allele origin: germline.
Comment: This variant was observed in the ICSL laboratory as part of a predisposition screen in an ostensibly healthy population. It had not been previously curated by ICSL or reported in the Human Gene Mutation Database (HGMD: prior to June 1st, 2018), and was therefore a candidate for classification through an automated scoring system. Utilizing variant allele frequency, disease prevalence and penetrance estimates, and inheritance mode, an automated score was calculated to assess if this variant is too frequent to cause the disease. Based on the score and internal cut-off values, a variant classified as benign is not then subjected to further curation. The score for this variant resulted in a classification of benign for this disease.